The following is an entry in ClinVar:

NM_020297.4(ABCC9):c.573+12A>C

Gene: ABCC9 (ATP binding cassette subfamily C member 9; minus strand). Cytogenetic location: 12p12.1.
Variant type: single nucleotide variant.
Coding change: c.573+12A>C on transcript NM_020297.4 (MANE Select); 12 bases into the intron after coding-DNA position 573, A replaced by C.
Molecular consequence: intron variant.
Genome position (GRCh38, 1-based): chr12:21,916,925, T>G on the plus strand (A>C on the coding strand, the complement: ABCC9 is on the minus strand). VCF-style: chr12-21916925-T-G. GRCh37 (hg19) VCF-style: chr12-22069859-T-G.
Other names: c.-48-3859A>C (NM_001377274.1); c.573+12A>C (NM_005691.4, NM_001377273.1).
Identifiers: ClinVar variation 682200 (VCV000682200.8), dbSNP rs767155863, ClinGen allele CA6481847.

ClinVar aggregate classification (germline): Likely benign. Review status: criteria provided, multiple submitters, no conflicts (2 of 4 stars). 3 submissions from 3 submitters: Likely benign (3). Last evaluated 2024-09-23.

Conditions:
Dilated cardiomyopathy 1O (CMD1O). Also called: CARDIOMYOPATHY, DILATED, WITH VENTRICULAR TACHYCARDIA. Identifiers: Orphanet 154, MedGen C1837839, MONDO:0012062, OMIM 608569.

Allele frequency attached by ClinVar (database versions not stated): TOPMed 0.00002; ExAC 0.00003; gnomAD exomes 0.00004.
gnomAD v4.1: 57 of 1,587,314 alleles (0.0036%); highest among the groups gnomAD compares: Admixed American, 0.023%; no homozygotes.

Submissions (3):

Labcorp Genetics (formerly Invitae), Labcorp
Classification: Likely benign for Dilated cardiomyopathy 1O. Last evaluated: 2024-09-23. Review status: criteria provided, single submitter. Criteria: Invitae Variant Classification Sherloc (09022015). Collection method: clinical testing. Allele origin: germline.

Blueprint Genetics
Classification: Likely benign. Last evaluated: 2022-04-06. Review status: criteria provided, single submitter. Criteria: ACMG Guidelines, 2015. Collection method: clinical testing. Allele origin: germline.

GeneDx
Classification: Likely benign. Last evaluated: 2018-04-19. Review status: criteria provided, single submitter. Criteria: GeneDx Variant Classification (06012015). Collection method: clinical testing. Allele origin: germline. Affected: yes.
Comment: This variant is considered likely benign or benign based on one or more of the following criteria: it is a conservative change, it occurs at a poorly conserved position in the protein, it is predicted to be benign by multiple in silico algorithms, and/or has population frequency not consistent with disease.